The following is an entry in ClinVar:

ClinVar aggregate classification (germline): Uncertain significance (1 of 4 stars; one submission).

Conditions:
PLXNA4-related disorder. Also called: PLXNA4-related condition.

Allele frequency attached by ClinVar (database versions not stated): gnomAD 0.00008; TOPMed 0.00009; ExAC 0.00011; gnomAD exomes 0.00012; ESP Exome Variant Server 0.00024.
gnomAD v4.1: 180 of 1,613,440 alleles (0.011%); highest among the groups gnomAD compares: East Asian, 0.025%; no homozygotes.

Submission:

PreventionGenetics, part of Exact Sciences
Classification: Uncertain significance for PLXNA4-related condition. Last evaluated: 2026-06-01. Review status: criteria provided, single submitter. Criteria: ACMG Guidelines, 2015. Collection method: clinical testing. Allele origin: germline.
Comment: The PLXNA4 c.2888G>A variant is predicted to result in the amino acid substitution p.Arg963Gln. To our knowledge, this variant has not been reported in the literature. This variant is reported in 0.082% of alleles in individuals of East Asian descent in gnomAD which may be too common to be a primary cause of disease. Although we suspect that this variant may be benign, at this time, the clinical significance of this variant is uncertain due to the absence of conclusive functional and genetic evidence.

NM_020911.2(PLXNA4):c.2888G>A (p.Arg963Gln)

Gene: PLXNA4 (plexin A4; minus strand). Cytogenetic location: 7q32.3.
Variant type: single nucleotide variant.
Coding change: c.2888G>A on transcript NM_020911.2 (MANE Select); coding-DNA position 2888, G replaced by A.
Protein change: p.Arg963Gln; replaces arginine 963 with glutamine.
Molecular consequence: missense variant.
Genome position (GRCh38, 1-based): chr7:132,187,576, C>T on the plus strand (G>A on the coding strand, the complement: PLXNA4 is on the minus strand). VCF-style: chr7-132187576-C-T. GRCh37 (hg19) VCF-style: chr7-131872335-C-T.
Other names: c.2888G>A, p.Arg963Gln (NM_001393897.1); short protein forms R963Q.
Identifiers: ClinVar variation 2634687 (VCV002634687.2), dbSNP rs374103757, ClinGen allele CA4489660.